The following is an entry in ClinVar:

NM_000117.3(EMD):c.677G>C (p.Trp226Ser)

Gene: EMD (emerin; plus strand). Cytogenetic location: Xq28.
Variant type: single nucleotide variant.
Coding change: c.677G>C on transcript NM_000117.3 (MANE Select); coding-DNA position 677, G replaced by C.
Protein change: p.Trp226Ser; replaces tryptophan 226 with serine.
Molecular consequence: missense variant.
Genome position (GRCh38, 1-based): chrX:154,381,109, G>C. VCF-style: chrX-154381109-G-C. GRCh37 (hg19) VCF-style: chrX-153609469-G-C.
Other names: short protein forms W226S.
Identifiers: ClinVar variation 1385301 (VCV001385301.9), dbSNP rs141732118, ClinGen allele CA10561660.
Genomic context (GRCh38, chrX:154,381,109, plus strand): 5'-TCCGGCCTGAAAACCGTGCTCCTGGGGCTGGGCTGGGCCAGGATCGCCAGGTCCCGCTCT[G>C]GGGCCAGCTGCTGCTTTTCCTGGTCTTTGTGATCGTCCTCTTCTTCATTTACCACTTCAT-3'
Protein context (NP_000108.1, residues 216-236): GLGQDRQVPL[Trp226Ser]GQLLLFLVFV

ClinVar aggregate classification (germline): Conflicting classifications of pathogenicity. Review status: criteria provided, conflicting classifications (1 of 4 stars). 3 submissions from 3 submitters: Uncertain significance (2); Likely benign (1). Last evaluated 2025-12-02.

Conditions:
Cardiovascular phenotype. Identifiers: MedGen CN230736.
X-linked Emery-Dreifuss muscular dystrophy. Also called: Muscular dystrophy, tardive Emery-Dreifuss type, with contractures. Identifiers: Orphanet 261, Orphanet 98863, MedGen C0751337, MONDO:0010680.

Allele frequency attached by ClinVar (database versions not stated): ExAC 0.00002; gnomAD exomes 0.00002 and 0.00004; TOPMed 0.00002; gnomAD 0.00003; ESP Exome Variant Server 0.00009.

Submissions (3):

Labcorp Genetics (formerly Invitae), Labcorp
Classification: Likely benign for X-linked Emery-Dreifuss muscular dystrophy. Last evaluated: 2025-12-02. Review status: criteria provided, single submitter. Criteria: Invitae Variant Classification Sherloc (09022015). Collection method: clinical testing. Allele origin: germline.

Ambry Genetics
Classification: Uncertain significance for Cardiovascular phenotype. Last evaluated: 2023-11-10. Review status: criteria provided, single submitter. Criteria: Ambry Variant Classification Scheme 2023. Collection method: clinical testing. Allele origin: germline.
Comment: The p.W226S variant (also known as c.677G>C), located in coding exon 6 of the EMD gene, results from a G to C substitution at nucleotide position 677. The tryptophan at codon 226 is replaced by serine, an amino acid with highly dissimilar properties. Based on data from gnomAD, the C allele has an overall frequency of 0.002% (4/182759) total alleles studied, with 1 hemizygote(s) observed. The highest observed frequency was 0.015% (2/81468) of European (non-Finnish) alleles. This amino acid position is highly conserved in available vertebrate species. In addition, this alteration is predicted to be deleterious by in silico analysis. Since supporting evidence is limited at this time, the clinical significance of this alteration remains unclear.

Blueprint Genetics
Classification: Uncertain significance. Last evaluated: 2023-08-28. Review status: criteria provided, single submitter. Criteria: ACMG Guidelines, 2015. Collection method: clinical testing. Allele origin: germline.